The following is an entry in ClinVar:

NM_001042492.3(NF1):c.5706dup (p.Asn1903fs)

Gene: NF1 (neurofibromin 1; plus strand). Cytogenetic location: 17q11.2.
Variant type: Duplication.
Coding change: c.5706dup on transcript NM_001042492.3 (MANE Select); coding-DNA position 5706, one base duplicated (C; older notation c.5706dupC).
Protein change: p.Asn1903fs; shifts the reading frame from asparagine 1903.
Molecular consequence: frameshift variant.
Genome position (GRCh38, 1-based): chr17:31,330,392, C duplicated; the last of 2 consecutive C bases (chr17:31,330,391-31,330,392); duplicating either gives the same sequence. VCF-style (leftmost placement, unchanged base first): chr17-31330390-G-GC. GRCh37 (hg19) VCF-style: chr17-29657408-G-GC.
Other names: c.5643dup, p.Asn1882Glnfs (NM_000267.4); short protein forms N1903fs, N1882fs.
Identifiers: ClinVar variation 2012757 (VCV002012757.4), dbSNP rs2508718545, ClinGen allele CA2580093378.

ClinVar aggregate classification (germline): Pathogenic (1 of 4 stars; one submission).

Conditions:
Neurofibromatosis, type 1 (NF1). Also called: Neurofibromatosis, type I; Peripheral type neurofibromatosis; VON RECKLINGHAUSEN DISEASE; NEUROFIBROMATOSIS, TYPE I, SOMATIC. Identifiers: Orphanet 636, MedGen C0027831, MONDO:0018975, OMIM 162200. Disease mechanism: loss of function.

Submission:

Labcorp Genetics (formerly Invitae), Labcorp
Classification: Pathogenic for Neurofibromatosis, type 1. Last evaluated: 2022-07-01. Review status: criteria provided, single submitter. Criteria: Invitae Variant Classification Sherloc (09022015). Collection method: clinical testing. Allele origin: germline.
Comment: For these reasons, this variant has been classified as Pathogenic. Algorithms developed to predict the effect of sequence changes on RNA splicing suggest that this variant may disrupt the consensus splice site. This premature translational stop signal has been observed in individual(s) with neurofibromatosis type 1 (PMID: 16786508). This variant is not present in population databases (gnomAD no frequency). This sequence change creates a premature translational stop signal (p.Asn1882Glnfs*10) in the NF1 gene. It is expected to result in an absent or disrupted protein product. Loss-of-function variants in NF1 are known to be pathogenic (PMID: 10712197, 23913538).

Literature cited by the submitters: PubMed 16786508; PubMed 10712197; PubMed 23913538.